The following is an entry in ClinVar:

ClinVar aggregate classification (germline): Conflicting classifications of pathogenicity. Review status: criteria provided, conflicting classifications (1 of 4 stars). 6 submissions from 6 submitters: Uncertain significance (4); Likely benign (1). 1 of the submissions does not count toward it. Last evaluated 2026-01-19.

Conditions:
Multiple sulfatase deficiency (MSD). Also called: Multiple Sulfatase Deficiency Disease; Sulfatidosis, Juvenile, Austin Type; Mucosulfatidosis. Identifiers: Orphanet 585, MedGen C0268263, MONDO:0010088, OMIM 272200.

Allele frequency attached by ClinVar (database versions not stated): ExAC 0.00023; ESP Exome Variant Server 0.00048; gnomAD 0.00084 and 0.00085; TOPMed 0.00084; 1000 Genomes Project 30x 0.00125; 1000 Genomes Project 0.00180.
gnomAD v4.1: 223 of 1,578,104 alleles (0.014%); highest among the groups gnomAD compares: African/African-American, 0.26%; 1 homozygote.

Submissions (6):

Labcorp Genetics (formerly Invitae), Labcorp
Classification: Likely benign for Multiple sulfatase deficiency. Last evaluated: 2026-01-19. Review status: criteria provided, single submitter. Criteria: Invitae Variant Classification Sherloc (09022015). Collection method: clinical testing. Allele origin: germline.

Mayo Clinic Laboratories, Mayo Clinic
Classification: Uncertain significance. Last evaluated: 2025-02-27. Review status: criteria provided, single submitter. Criteria: ACMG Guidelines, 2015. Collection method: clinical testing. Allele origin: germline. Observed: 3 variant alleles.

Blueprint Genetics
Classification: Uncertain significance. Last evaluated: 2024-10-16. Review status: criteria provided, single submitter. Criteria: ACMG Guidelines, 2015. Collection method: clinical testing. Allele origin: germline.

Genome-Nilou Lab
Classification: Uncertain significance for Multiple sulfatase deficiency. Last evaluated: 2021-09-05. Review status: criteria provided, single submitter. Criteria: ACMG Guidelines, 2015. Collection method: clinical testing. Allele origin: germline. Affected: no.

GeneDx
Classification: Uncertain significance. Last evaluated: 2021-05-07. Review status: criteria provided, single submitter. Criteria: GeneDx Variant Classification Process June 2021. Collection method: clinical testing. Allele origin: germline. Affected: yes.
Comment: Has not been previously published as pathogenic or benign to our knowledge; In silico analysis, which includes protein predictors and evolutionary conservation, supports that this variant does not alter protein structure/function

Natera, Inc.
Classification: Uncertain significance for Multiple sulfatase deficiency. Last evaluated: 2020-01-10. Review status: no assertion criteria provided. Collection method: clinical testing. Allele origin: germline. Not counted in ClinVar's aggregate classification.

NM_182760.4(SUMF1):c.211T>C (p.Ser71Pro)

Genes: SUMF1 (sulfatase modifying factor 1; minus strand), LOC129936056 (ATAC-STARR-seq lymphoblastoid silent region 14016; plus strand). Cytogenetic location: 3p26.1.
Variant type: single nucleotide variant.
Coding change: c.211T>C on transcript NM_182760.4 (MANE Select); coding-DNA position 211, T replaced by C.
Protein change: p.Ser71Pro; replaces serine 71 with proline.
Molecular consequence: missense variant.
Genome position (GRCh38, 1-based): chr3:4,467,035, A>G on the plus strand (T>C on the coding strand, the complement: SUMF1 is on the minus strand). VCF-style: chr3-4467035-A-G. GRCh37 (hg19) VCF-style: chr3-4508719-A-G.
Other names: p.Ser71Pro; c.211T>C, p.Ser71Pro (NM_001164674.2, NM_001164675.2); short protein forms S71P.
Identifiers: ClinVar variation 743202 (VCV000743202.20), dbSNP rs201984297, ClinGen allele CA2230690.